The following is an entry in ClinVar:

ClinVar aggregate classification (germline): Uncertain significance. Review status: criteria provided, multiple submitters, no conflicts (2 of 4 stars). 2 submissions from 2 submitters: Uncertain significance (2). Last evaluated 2026-04-23.

Conditions:
Hereditary cancer-predisposing syndrome. Also called: Neoplastic Syndromes, Hereditary; Tumor predisposition; Hereditary Cancer Syndrome; Hereditary neoplastic syndrome. Identifiers: Orphanet 140162, MedGen C0027672, MeSH D009386, MONDO:0015356.
Fanconi anemia complementation group J. Also called: BRIP1-Related Fanconi Anemia. Identifiers: Orphanet 84, MedGen C1836860, MONDO:0012187, OMIM 609054.
Familial cancer of breast. Also called: BREAST CANCER, FAMILIAL; Hereditary breast cancer; hereditary breast carcinoma. Identifiers: Orphanet 227535, MedGen C0346153, MONDO:0016419, OMIM 114480. Disease mechanism: loss of function.

Submissions (2):

Ambry Genetics
Classification: Uncertain significance for Hereditary cancer-predisposing syndrome. Last evaluated: 2026-04-23. Review status: criteria provided, single submitter. Criteria: Ambry Variant Classification Scheme 2023. Collection method: clinical testing. Allele origin: germline.
Comment: The p.G12R variant (also known as c.34G>A), located in coding exon 1 of the BRIP1 gene, results from a G to A substitution at nucleotide position 34. The glycine at codon 12 is replaced by arginine, an amino acid with dissimilar properties. This amino acid position is highly conserved in available vertebrate species. In addition, this alteration is predicted to be deleterious by in silico analysis. Since supporting evidence is limited at this time, the clinical significance of this alteration remains unclear.

Labcorp Genetics (formerly Invitae), Labcorp
Classification: Uncertain significance for Familial cancer of breast; Fanconi anemia complementation group J. Last evaluated: 2025-06-01. Review status: criteria provided, single submitter. Criteria: Invitae Variant Classification Sherloc (09022015). Collection method: clinical testing. Allele origin: germline.
Comment: This sequence change replaces glycine, which is neutral and non-polar, with arginine, which is basic and polar, at codon 12 of the BRIP1 protein (p.Gly12Arg). This variant is not present in population databases (gnomAD no frequency). This variant has not been reported in the literature in individuals affected with BRIP1-related conditions. ClinVar contains an entry for this variant (Variation ID: 1732053). Invitae Evidence Modeling of protein sequence and biophysical properties (such as structural, functional, and spatial information, amino acid conservation, physicochemical variation, residue mobility, and thermodynamic stability) has been performed for this missense variant. However, the output from this modeling did not meet the statistical confidence thresholds required to predict the impact of this variant on BRIP1 protein function. Algorithms developed to predict the effect of sequence changes on RNA splicing suggest that this variant may disrupt the consensus splice site. In summary, the available evidence is currently insufficient to determine the role of this variant in disease. Therefore, it has been classified as a Variant of Uncertain Significance.

NM_032043.3(BRIP1):c.34G>A (p.Gly12Arg)

Gene: BRIP1 (BRCA1 interacting DNA helicase 1; minus strand). Cytogenetic location: 17q23.2.
Variant type: single nucleotide variant.
Coding change: c.34G>A on transcript NM_032043.3 (MANE Select); coding-DNA position 34, G replaced by A.
Protein change: p.Gly12Arg; replaces glycine 12 with arginine.
Molecular consequence: missense variant.
Genome position (GRCh38, 1-based): chr17:61,861,506, C>T on the plus strand (G>A on the coding strand, the complement: BRIP1 is on the minus strand). VCF-style: chr17-61861506-C-T. GRCh37 (hg19) VCF-style: chr17-59938867-C-T.
Other names: short protein forms G12R.
Identifiers: ClinVar variation 1732053 (VCV001732053.6), dbSNP rs2145865460, ClinGen allele CA400486030.